The following is an entry in ClinVar:

NM_001943.5(DSG2):c.2736G>T (p.Val912=)

Genes: DSG2 (desmoglein 2; plus strand), DSG2-AS1 (DSG2 antisense RNA 1; minus strand). Cytogenetic location: 18q12.1.
Variant type: single nucleotide variant.
Coding change: c.2736G>T on transcript NM_001943.5 (MANE Select); coding-DNA position 2736, G replaced by T.
Protein change: p.Val912=; no amino-acid change (valine 912 retained).
Molecular consequence: synonymous variant.
Genome position (GRCh38, 1-based): chr18:31,546,122, G>T. VCF-style: chr18-31546122-G-T. GRCh37 (hg19) VCF-style: chr18-29126085-G-T.
Identifiers: ClinVar variation 4822725 (VCV004822725.4).

ClinVar aggregate classification (germline): Likely benign (1 of 4 stars; one submission).

Submission:

CeGaT Center for Human Genetics Tuebingen
Classification: Likely benign. Last evaluated: 2026-02-01. Review status: criteria provided, single submitter. Criteria: CeGaT Center For Human Genetics Tuebingen Variant Classification Criteria Version 2. Collection method: clinical testing. Allele origin: germline. Affected: yes. Observed: 1 variant allele.
Comment: DSG2: PM2:Supporting, BP4, BP7